The following is an entry in ClinVar:

NM_001376.5(DYNC1H1):c.1852T>C (p.Ser618Pro)

Gene: DYNC1H1 (dynein cytoplasmic 1 heavy chain 1; plus strand). Cytogenetic location: 14q32.31.
Variant type: single nucleotide variant.
Coding change: c.1852T>C on transcript NM_001376.5 (MANE Select); coding-DNA position 1852, T replaced by C.
Protein change: p.Ser618Pro; replaces serine 618 with proline.
Molecular consequence: missense variant.
Genome position (GRCh38, 1-based): chr14:101,986,077, T>C. VCF-style: chr14-101986077-T-C. GRCh37 (hg19) VCF-style: chr14-102452414-T-C.
Other names: short protein forms S618P.
Identifiers: ClinVar variation 1465467 (VCV001465467.6), dbSNP rs2141274736, ClinGen allele CA391019506.

ClinVar aggregate classification (germline): Uncertain significance (1 of 4 stars; one submission).

Conditions:
Charcot-Marie-Tooth disease axonal type 2O. Also called: Charcot-Marie-Tooth Neuropathy Type 2O; CHARCOT-MARIE-TOOTH NEUROPATHY, AXONAL, TYPE 2O; CHARCOT-MARIE-TOOTH DISEASE, AXONAL, AUTOSOMAL DOMINANT, TYPE 2O; Charcot-Marie-Tooth disease, axonal, type 20. Identifiers: Orphanet 284232, MedGen C3280220, MONDO:0013644, OMIM 614228.

Submission:

Labcorp Genetics (formerly Invitae), Labcorp
Classification: Uncertain significance for Charcot-Marie-Tooth disease axonal type 2O. Last evaluated: 2021-10-25. Review status: criteria provided, single submitter. Criteria: Invitae Variant Classification Sherloc (09022015). Collection method: clinical testing. Allele origin: germline.
Comment: In summary, the available evidence is currently insufficient to determine the role of this variant in disease. Therefore, it has been classified as a Variant of Uncertain Significance. Algorithms developed to predict the effect of missense changes on protein structure and function are either unavailable or do not agree on the potential impact of this missense change (SIFT: "Tolerated"; PolyPhen-2: "Possibly Damaging"; Align-GVGD: "Class C0"). This variant has not been reported in the literature in individuals affected with DYNC1H1-related conditions. This variant is not present in population databases (ExAC no frequency). This sequence change replaces serine with proline at codon 618 of the DYNC1H1 protein (p.Ser618Pro). The serine residue is moderately conserved and there is a moderate physicochemical difference between serine and proline.